The following is an entry in ClinVar:

NM_000368.5(TSC1):c.840A>C (p.Gln280His)

Gene: TSC1 (TSC complex subunit 1; minus strand). Cytogenetic location: 9q34.13.
Variant type: single nucleotide variant.
Coding change: c.840A>C on transcript NM_000368.5 (MANE Select); coding-DNA position 840, A replaced by C.
Protein change: p.Gln280His; replaces glutamine 280 with histidine.
Molecular consequence: missense variant.
Genome position (GRCh38, 1-based): chr9:132,912,355, T>G on the plus strand (A>C on the coding strand, the complement: TSC1 is on the minus strand). VCF-style: chr9-132912355-T-G. GRCh37 (hg19) VCF-style: chr9-135787742-T-G.
Other names: c.840A>C, p.Gln280His (NM_001162426.2); c.687A>C, p.Gln229His (NM_001162427.2); c.477A>C, p.Gln159His (NM_001362177.2); short protein forms Q229H, Q280H, Q159H.
Identifiers: ClinVar variation 1354602 (VCV001354602.11), dbSNP rs1171852730, ClinGen allele CA375369290.

ClinVar aggregate classification (germline): Uncertain significance. Review status: criteria provided, multiple submitters, no conflicts (2 of 4 stars). 4 submissions from 4 submitters: Uncertain significance (4). Last evaluated 2025-02-18.

Conditions:
Lymphangiomyomatosis (LAM). Also called: Lymphangioleiomyomatosis; Lymphangioleiomyomatosis, somatic. Identifiers: Orphanet 538, MedGen C0751674, MONDO:0011705, OMIM 606690.
Isolated focal cortical dysplasia type II (FCORD2). Also called: CORTICAL DYSPLASIA OF TAYLOR; Focal cortical dysplasia type II. Identifiers: Orphanet 268994, MedGen C1846385, MONDO:0011818, OMIM 607341, HP:0032051.
Tuberous sclerosis 1 (TSC1). Identifiers: Orphanet 805, MedGen C1854465, MONDO:0008612, OMIM 191100.
Tuberous sclerosis syndrome (TSC). Also called: Tuberous sclerosis; Tuberous Sclerosis Complex. Identifiers: Orphanet 805, MedGen C0041341, MONDO:0001734.
Hereditary cancer-predisposing syndrome. Also called: Hereditary Cancer Syndrome; Hereditary neoplastic syndrome; Tumor predisposition; Neoplastic Syndromes, Hereditary. Identifiers: Orphanet 140162, MedGen C0027672, MeSH D009386, MONDO:0015356.

gnomAD v4.1: 2 of 1,614,162 alleles (0.00012%); highest among the groups gnomAD compares: Non-Finnish European, 0.00017%; no homozygotes.

Submissions (4):

Ambry Genetics
Classification: Uncertain significance for Hereditary cancer-predisposing syndrome. Last evaluated: 2025-02-18. Review status: criteria provided, single submitter. Criteria: Ambry Variant Classification Scheme 2023. Collection method: clinical testing. Allele origin: germline.
Comment: The p.Q280H variant (also known as c.840A>C), located in coding exon 7 of the TSC1 gene, results from an A to C substitution at nucleotide position 840. The glutamine at codon 280 is replaced by histidine, an amino acid with highly similar properties. This amino acid position is not well conserved in available vertebrate species. In addition, this alteration is predicted to be tolerated by in silico analysis. Based on the available evidence, the clinical significance of this variant remains unclear.

Labcorp Genetics (formerly Invitae), Labcorp
Classification: Uncertain significance for Tuberous sclerosis 1. Last evaluated: 2025-02-17. Review status: criteria provided, single submitter. Criteria: Invitae Variant Classification Sherloc (09022015). Collection method: clinical testing. Allele origin: germline.
Comment: This sequence change replaces glutamine, which is neutral and polar, with histidine, which is basic and polar, at codon 280 of the TSC1 protein (p.Gln280His). This variant is not present in population databases (gnomAD no frequency). This variant has not been reported in the literature in individuals affected with TSC1-related conditions. ClinVar contains an entry for this variant (Variation ID: 1354602). Invitae Evidence Modeling of protein sequence and biophysical properties (such as structural, functional, and spatial information, amino acid conservation, physicochemical variation, residue mobility, and thermodynamic stability) indicates that this missense variant is not expected to disrupt TSC1 protein function with a negative predictive value of 95%. In summary, the available evidence is currently insufficient to determine the role of this variant in disease. Therefore, it has been classified as a Variant of Uncertain Significance.

Color Diagnostics, LLC DBA Color Health
Classification: Uncertain significance for Tuberous sclerosis syndrome. Last evaluated: 2024-07-31. Review status: criteria provided, single submitter. Criteria: ACMG Guidelines, 2015. Collection method: clinical testing. Allele origin: germline.
Comment: This missense variant replaces glutamine with histidine at codon 280 of the TSC1 protein. Computational prediction suggests that this variant may not impact protein structure and function. To our knowledge, functional studies have not been reported for this variant. This variant has not been reported in individuals affected with TSC1-related disorders in the literature. This variant has not been identified in the general population by the Genome Aggregation Database (gnomAD). The available evidence is insufficient to determine the role of this variant in disease conclusively. Therefore, this variant is classified as a Variant of Uncertain Significance.

Fulgent Genetics
Classification: Uncertain significance for Tuberous sclerosis 1; Lymphangiomyomatosis; Isolated focal cortical dysplasia type II. Last evaluated: 2024-04-12. Review status: criteria provided, single submitter. Criteria: ACMG Guidelines, 2015. Collection method: clinical testing. Allele origin: germline.